The following is an entry in ClinVar:

ClinVar aggregate classification (germline): Uncertain significance. Review status: criteria provided, multiple submitters, no conflicts (2 of 4 stars). 3 submissions from 3 submitters: Uncertain significance (3). Last evaluated 2026-08-06.

Conditions:
Bosch-Boonstra-Schaaf optic atrophy syndrome (BBSOAS). Also called: NR2F1-Related Neurodevelopmental Disorder. Identifiers: Orphanet 401777, MedGen C3810363, MONDO:0014320, OMIM 615722.

Submissions (3):

OLLIN Analises Genomicas, OLLIN
Classification: Uncertain significance for Bosch-Boonstra-Schaaf optic atrophy syndrome. Last evaluated: 2026-08-06. Review status: criteria provided, single submitter. Criteria: ACMG Guidelines 2015 PMID 25741868. Collection method: clinical testing. Allele origin: germline. Inheritance: Autosomal dominant inheritance.
Comment: This in-frame deletion, located in exon 2 (of 3), has been reported in ClinVar (accession VCV001447292.6) and in gnomAD with an allele frequency of 0.000062%. However, to our knowledge, it has not been reported in the scientific literature. This variant removes 1 amino acid, preserving the reading frame and leading to a reduced protein length. According to the currently available evidence, this variant has been classified as uncertain significance (PM2_P, PM4).

Labcorp Genetics (formerly Invitae), Labcorp
Classification: Uncertain significance. Last evaluated: 2023-05-08. Review status: criteria provided, single submitter. Criteria: Invitae Variant Classification Sherloc (09022015). Collection method: clinical testing. Allele origin: germline.
Comment: In summary, the available evidence is currently insufficient to determine the role of this variant in disease. Therefore, it has been classified as a Variant of Uncertain Significance. Experimental studies and prediction algorithms are not available or were not evaluated, and the functional significance of this variant is currently unknown. This variant has not been reported in the literature in individuals affected with NR2F1-related conditions. This variant is present in population databases (rs749118126, gnomAD 0.0009%). This variant, c.635_637del, results in the deletion of 1 amino acid(s) of the NR2F1 protein (p.Asn212del), but otherwise preserves the integrity of the reading frame.

Blueprint Genetics
Classification: Uncertain significance. Last evaluated: 2020-09-14. Review status: criteria provided, single submitter. Criteria: ACMG Guidelines, 2015. Collection method: clinical testing. Allele origin: germline.

NM_005654.6(NR2F1):c.632ACA[1] (p.Asn212del)

Gene: NR2F1 (nuclear receptor subfamily 2 group F member 1; plus strand). Cytogenetic location: 5q15.
Variant type: Microsatellite.
Coding change: c.632ACA[1] on transcript NM_005654.6 (MANE Select); one copy of the 3-base unit ACA starting at c.632; the reference has two copies in a row; one copy, 3 bases deleted.
Protein change: p.Asn212del; deletes asparagine 212.
Molecular consequence: inframe deletion.
Genome position (GRCh38, 1-based): chr5:93,588,088-93,588,090, ACA deleted; deleting any 3 consecutive bases within chr5:93,588,083-93,588,090 gives the same sequence; the position shown is the placement nearest the transcript's 3' end. VCF-style (leftmost placement, unchanged base first): chr5-93588082-CCAA-C. GRCh37 (hg19) VCF-style: chr5-92923788-CCAA-C.
Other names: short protein forms N212del.
Identifiers: ClinVar variation 1447292 (VCV001447292.8), dbSNP rs749118126, ClinGen allele CA3343163.